The following is an entry in ClinVar:

NM_006118.4(HAX1):c.680G>A (p.Arg227Gln)

Gene: HAX1 (HCLS1 associated protein X-1; plus strand). Cytogenetic location: 1q21.3.
Variant type: single nucleotide variant.
Coding change: c.680G>A on transcript NM_006118.4 (MANE Select); coding-DNA position 680, G replaced by A.
Protein change: p.Arg227Gln; replaces arginine 227 with glutamine.
Molecular consequence: missense variant.
Genome position (GRCh38, 1-based): chr1:154,275,409, G>A. VCF-style: chr1-154275409-G-A. GRCh37 (hg19) VCF-style: chr1-154247885-G-A.
Other names: c.536G>A, p.Arg179Gln (NM_001018837.2); short protein forms R227Q, R179Q.
Identifiers: ClinVar variation 3704806 (VCV003704806.2).

ClinVar aggregate classification (germline): Uncertain significance. Review status: criteria provided, multiple submitters, no conflicts (2 of 4 stars). 2 submissions from 2 submitters: Uncertain significance (2). Last evaluated 2025-03-02.

Conditions:
Inborn genetic diseases. Identifiers: MedGen C0950123, MeSH D030342.
Kostmann syndrome (SCN3). Also called: KOSTMANN DISEASE; Autosomal recessive severe congenital neutropenia type 3. Identifiers: Orphanet 99749, MedGen C5235141, MONDO:0012548, OMIM 610738.

gnomAD v4.1: 14 of 1,613,854 alleles (0.00087%); highest among the groups gnomAD compares: African/African-American, 0.0013%; no homozygotes.

Submissions (2):

Ambry Genetics
Classification: Uncertain significance for Inborn genetic diseases. Last evaluated: 2025-03-02. Review status: criteria provided, single submitter. Criteria: Ambry Variant Classification Scheme 2023. Collection method: clinical testing. Allele origin: germline.
Comment: The p.R227Q variant (also known as c.680G>A), located in coding exon 6 of the HAX1 gene, results from a G to A substitution at nucleotide position 680. The arginine at codon 227 is replaced by glutamine, an amino acid with highly similar properties. This amino acid position is conserved. In addition, this alteration is predicted to be deleterious by in silico analysis. Based on the available evidence, the clinical significance of this variant remains unclear.

Labcorp Genetics (formerly Invitae), Labcorp
Classification: Uncertain significance for Kostmann syndrome. Last evaluated: 2024-03-20. Review status: criteria provided, single submitter. Criteria: Invitae Variant Classification Sherloc (09022015). Collection method: clinical testing. Allele origin: germline.
Comment: This sequence change replaces arginine, which is basic and polar, with glutamine, which is neutral and polar, at codon 227 of the HAX1 protein (p.Arg227Gln). This variant is not present in population databases (gnomAD no frequency). This variant has not been reported in the literature in individuals affected with HAX1-related conditions. Advanced modeling of protein sequence and biophysical properties (such as structural, functional, and spatial information, amino acid conservation, physicochemical variation, residue mobility, and thermodynamic stability) performed at Invitae indicates that this missense variant is expected to disrupt HAX1 protein function with a positive predictive value of 80%. In summary, the available evidence is currently insufficient to determine the role of this variant in disease. Therefore, it has been classified as a Variant of Uncertain Significance.